The following is an entry in ClinVar:

NM_000426.4(LAMA2):c.4035T>G (p.Tyr1345Ter)

Gene: LAMA2 (laminin subunit alpha 2; plus strand). Cytogenetic location: 6q22.33.
Variant type: single nucleotide variant.
Coding change: c.4035T>G on transcript NM_000426.4 (MANE Select); coding-DNA position 4035, T replaced by G.
Protein change: p.Tyr1345Ter; replaces tyrosine 1345 with a stop codon.
Molecular consequence: nonsense.
Genome position (GRCh38, 1-based): chr6:129,316,148, T>G. VCF-style: chr6-129316148-T-G. GRCh37 (hg19) VCF-style: chr6-129637293-T-G.
Other names: c.4035T>G, p.Tyr1345Ter (NM_001079823.2); short protein forms Y1345*.
Identifiers: ClinVar variation 2734948 (VCV002734948.3), dbSNP rs2482419093, ClinGen allele CA365613829.

ClinVar aggregate classification (germline): Pathogenic (1 of 4 stars; one submission).

Conditions:
LAMA2-related muscular dystrophy (LAMA2-RD). Also called: Laminin alpha 2-related dystrophy. Identifiers: MedGen C5679788, MONDO:0100228.

Submission:

Labcorp Genetics (formerly Invitae), Labcorp
Classification: Pathogenic for LAMA2-related muscular dystrophy. Last evaluated: 2023-09-18. Review status: criteria provided, single submitter. Criteria: Invitae Variant Classification Sherloc (09022015). Collection method: clinical testing. Allele origin: germline.
Comment: This variant is not present in population databases (gnomAD no frequency). This premature translational stop signal has been observed in individual(s) with congenital muscular dystrophy (PMID: 20207543). Algorithms developed to predict the effect of sequence changes on RNA splicing suggest that this variant may disrupt the consensus splice site. For these reasons, this variant has been classified as Pathogenic. This sequence change creates a premature translational stop signal (p.Tyr1345*) in the LAMA2 gene. It is expected to result in an absent or disrupted protein product. Loss-of-function variants in LAMA2 are known to be pathogenic (PMID: 18700894, 32904964).

Literature cited by the submitters: PubMed 20207543; PubMed 18700894; PubMed 32904964.